The following is an entry in ClinVar:

ClinVar aggregate classification (germline): Pathogenic (1 of 4 stars; one submission).

Conditions:
Hereditary cancer-predisposing syndrome. Also called: Tumor predisposition; Hereditary Cancer Syndrome; Neoplastic Syndromes, Hereditary; Hereditary neoplastic syndrome. Identifiers: Orphanet 140162, MedGen C0027672, MeSH D009386, MONDO:0015356.

Submission:

Ambry Genetics
Classification: Pathogenic for Hereditary cancer-predisposing syndrome. Last evaluated: 2019-07-18. Review status: criteria provided, single submitter. Criteria: Ambry Variant Classification Scheme 2023. Collection method: clinical testing. Allele origin: germline.
Comment: The c.3060delA pathogenic mutation, located in coding exon 15 of the APC gene, results from a deletion of one nucleotide at nucleotide position 3060, causing a translational frameshift with a predicted alternate stop codon (p.E1020Dfs*2). This alteration is expected to result in loss of function by premature protein truncation. As such, this alteration is interpreted as a disease-causing mutation.

NM_000038.6(APC):c.3060del (p.Glu1020fs)

Gene: APC (APC regulator of Wnt signaling pathway; plus strand). Cytogenetic location: 5q22.2.
Variant type: Deletion.
Coding change: c.3060del on transcript NM_000038.6 (MANE Select); coding-DNA position 3060, one base deleted (A; older notation c.3060delA).
Protein change: p.Glu1020fs; shifts the reading frame from glutamic acid 1020.
Molecular consequence: frameshift variant.
Genome position (GRCh38, 1-based): chr5:112,838,654, A deleted; the last of 2 consecutive A bases (chr5:112,838,653-112,838,654); deleting either gives the same sequence. VCF-style (leftmost placement, unchanged base first): chr5-112838652-GA-G. GRCh37 (hg19) VCF-style: chr5-112174349-GA-G.
Other names: c.3060del, p.Glu1020fs (NM_001127510.3, NM_001354895.2); c.3006del, p.Glu1002fs (NM_001127511.3); c.3114del, p.Glu1038fs (NM_001354896.2); c.3090del, p.Glu1030fs (NM_001354897.2); c.2985del, p.Glu995fs (NM_001354898.2); c.2976del, p.Glu992fs (NM_001354899.2); c.2937del, p.Glu979fs (NM_001354900.2); c.2883del, p.Glu961fs (NM_001354901.2); and 5 more; short protein forms E919fs, E992fs, E961fs, E979fs, E1002fs, E1030fs, E1038fs, E1020fs.
Identifiers: ClinVar variation 822767 (VCV000822767.4), dbSNP rs1580630436, ClinGen allele CA915943477.